The following is an entry in ClinVar:

NM_000426.4(LAMA2):c.817A>T (p.Arg273Ter)

Gene: LAMA2 (laminin subunit alpha 2; plus strand). Cytogenetic location: 6q22.33.
Variant type: single nucleotide variant.
Coding change: c.817A>T on transcript NM_000426.4 (MANE Select); coding-DNA position 817, A replaced by T.
Protein change: p.Arg273Ter; replaces arginine 273 with a stop codon.
Molecular consequence: nonsense.
Genome position (GRCh38, 1-based): chr6:129,144,078, A>T. VCF-style: chr6-129144078-A-T. GRCh37 (hg19) VCF-style: chr6-129465223-A-T.
Other names: c.817A>T, p.Arg273Ter (NM_001079823.2); short protein forms R273*.
Identifiers: ClinVar variation 287489 (VCV000287489.11), dbSNP rs886043648, ClinGen allele CA10605782.

ClinVar aggregate classification (germline): Pathogenic. Review status: criteria provided, multiple submitters, no conflicts (2 of 4 stars). 4 submissions from 4 submitters: Pathogenic (3). 1 of the submissions does not count toward it. Last evaluated 2024-06-25.

Conditions:
Merosin deficient congenital muscular dystrophy (MDC1A). Also called: Congenital Muscular Dystrophy Type 1A (MDC1A); Congenital merosin-deficient muscular dystrophy 1A. Identifiers: Orphanet 258, MedGen C1263858, MONDO:0011925, OMIM 607855.
Muscular dystrophy, limb-girdle, autosomal recessive 23. Identifiers: Orphanet 565837, MedGen C4748327, MONDO:0029136, OMIM 618138.
LAMA2-related muscular dystrophy (LAMA2-RD). Also called: Laminin alpha 2-related dystrophy. Identifiers: MedGen C5679788, MONDO:0100228.

Submissions (4):

Labcorp Genetics (formerly Invitae), Labcorp
Classification: Pathogenic for LAMA2-related muscular dystrophy. Last evaluated: 2024-06-25. Review status: criteria provided, single submitter. Criteria: Invitae Variant Classification Sherloc (09022015). Collection method: clinical testing. Allele origin: germline.
Comment: This sequence change creates a premature translational stop signal (p.Arg273*) in the LAMA2 gene. It is expected to result in an absent or disrupted protein product. Loss-of-function variants in LAMA2 are known to be pathogenic (PMID: 18700894, 32904964). This variant is not present in population databases (gnomAD no frequency). This premature translational stop signal has been observed in individual(s) with congenital muscular dystrophy (PMID: 24611677). ClinVar contains an entry for this variant (Variation ID: 287489). For these reasons, this variant has been classified as Pathogenic.

Eurofins Ntd Llc (ga)
Classification: Pathogenic. Last evaluated: 2018-05-08. Review status: criteria provided, single submitter. Criteria: EGL ClinVar v180209 classification definitions. Collection method: clinical testing. Allele origin: germline. Observed: 2 variant alleles, 2 heterozygotes.

Juno Genomics, Hangzhou Juno Genomics, Inc
Classification: Pathogenic for Merosin deficient congenital muscular dystrophy; Muscular dystrophy, limb-girdle, autosomal recessive 23. Review status: criteria provided, single submitter. Criteria: ACMG Guidelines, 2015. Collection method: clinical testing. Allele origin: germline.
Comment: Absent from controls (or at extremely low frequency if recessive) in Genome Aggregation Database.;Null variant in a gene where loss of function (LOF) is a known mechanism of disease.;For recessive disorders, detected in trans with a pathogenic variant.

Counsyl
Classification: Likely pathogenic for Merosin deficient congenital muscular dystrophy. Last evaluated: 2017-04-24. Review status: no assertion criteria provided. Collection method: clinical testing. Allele origin: unknown. Not counted in ClinVar's aggregate classification.

Literature cited by the submitters: PubMed 18700894 (cited by Labcorp Genetics (formerly Invitae), Labcorp); PubMed 32904964 (cited by Labcorp Genetics (formerly Invitae), Labcorp); PubMed 24611677 (cited by Labcorp Genetics (formerly Invitae), Labcorp and Counsyl).